The following is an entry in ClinVar:

ClinVar aggregate classification (germline): Conflicting classifications of pathogenicity. Review status: criteria provided, conflicting classifications (1 of 4 stars). 4 submissions from 4 submitters: Uncertain significance (1); Benign (1); Likely benign (1). 1 of the submissions does not count toward it. Last evaluated 2026-09-01.

Conditions:
Autism (AUTS). Also called: Autistic disorder; Autistic disorder of childhood onset. Identifiers: MedGen C0004352, MeSH D001321, MONDO:0005260, OMIM 209850, HP:0000717.

Allele frequency attached by ClinVar (database versions not stated): 1000 Genomes Project 0.00120; 1000 Genomes Project 30x 0.00125; TOPMed 0.00237; ESP Exome Variant Server 0.00254; gnomAD 0.00390 and 0.00410; gnomAD exomes 0.00463; ExAC 0.00481.
gnomAD v4.1: 5,572 of 1,614,102 alleles (0.35%); highest among the groups gnomAD compares: Non-Finnish European, 0.33%; 36 homozygotes.

Submissions (4):

CeGaT Center for Human Genetics Tuebingen
Classification: Likely benign. Last evaluated: 2026-09-01. Review status: criteria provided, single submitter. Criteria: CeGaT Center For Human Genetics Tuebingen Variant Classification Criteria Version 2. Collection method: clinical testing. Allele origin: germline. Affected: yes. Observed: 36 variant alleles.
Comment: SHANK2: BS2

Labcorp Genetics (formerly Invitae), Labcorp
Classification: Benign. Last evaluated: 2019-12-31. Review status: criteria provided, single submitter. Criteria: Invitae Variant Classification Sherloc (09022015). Collection method: clinical testing. Allele origin: germline.

Genetic Services Laboratory, University of Chicago
Classification: Uncertain significance. Last evaluated: 2014-12-16. Review status: criteria provided, single submitter. Criteria: ACMG Guidelines, 2015. Collection method: clinical testing. Allele origin: germline.

Genetics Laboratory, Facudade de Medicina de Sao Jose do Rio Preto
Classification: Uncertain significance for Autism. Last evaluated: 2016-01-01. Review status: no assertion criteria provided. Collection method: research. Allele origin: unknown. Affected: yes. Observed: 1 variant allele. Not counted in ClinVar's aggregate classification.

NM_012309.5(SHANK2):c.2453G>A (p.Arg818His)

Gene: SHANK2 (SH3 and multiple ankyrin repeat domains 2; minus strand). Cytogenetic location: 11q13.3.
Variant type: single nucleotide variant.
Coding change: c.2453G>A on transcript NM_012309.5 (MANE Select); coding-DNA position 2453, G replaced by A.
Protein change: p.Arg818His; replaces arginine 818 with histidine.
Molecular consequence: missense variant. On other transcripts: non-coding transcript variant (1).
Genome position (GRCh38, 1-based): chr11:70,490,374, C>T on the plus strand (G>A on the coding strand, the complement: SHANK2 is on the minus strand). VCF-style: chr11-70490374-C-T. GRCh37 (hg19) VCF-style: chr11-70336479-C-T.
Other names: c.1316G>A, p.Arg439His (NM_001379226.1); c.689G>A, p.Arg230His (NM_133266.5); short protein forms R230H, R818H, R439H.
Identifiers: ClinVar variation 212174 (VCV000212174.39), dbSNP rs117843717, ClinGen allele CA214655.
Genomic context (GRCh38, chr11:70,490,374, plus strand): 5'-CCCAGAAACGGGGCTTTTGGGCTCCCAGGAACAGTGGGCGTCATCACGGCGATTCCTTGG[C>T]GTTCGTACACAGACTGCAAACCAGAGAGCCTAGGGTGAGACGCAGCCCTGGCCAGCCCCC-3'
Protein context (NP_036441.2, residues 808-828): AGSDMNSVYE[Arg818His]QGIAVMTPTV